The following is an entry in ClinVar:

NM_003072.5(SMARCA4):c.3315G>T (p.Met1105Ile)

Gene: SMARCA4 (SWI/SNF related BAF chromatin remodeling complex subunit ATPase 4; plus strand). Cytogenetic location: 19p13.2.
Variant type: single nucleotide variant.
Coding change: c.3315G>T on transcript NM_003072.5 (MANE Select); coding-DNA position 3315, G replaced by T.
Protein change: p.Met1105Ile; replaces methionine 1105 with isoleucine.
Molecular consequence: missense variant. On other transcripts: non-coding transcript variant (1).
Genome position (GRCh38, 1-based): chr19:11,027,883, G>T. VCF-style: chr19-11027883-G-T. GRCh37 (hg19) VCF-style: chr19-11138559-G-T.
Other names: c.3315G>T, p.Met1105Ile (NM_001128844.3, NM_001128845.2, NM_001128846.2 and 4 more transcripts); short protein forms M1105I.
Identifiers: ClinVar variation 1020478 (VCV001020478.8), dbSNP rs2090376788, ClinGen allele CA404061688.

ClinVar aggregate classification (germline): Uncertain significance (1 of 4 stars; one submission).

Conditions:
Rhabdoid tumor predisposition syndrome 2 (RTPS2). Identifiers: Orphanet 231108, Orphanet 69077, MedGen C2750074, MONDO:0013224, OMIM 613325.

Submission:

Labcorp Genetics (formerly Invitae), Labcorp
Classification: Uncertain significance for Rhabdoid tumor predisposition syndrome 2. Last evaluated: 2020-07-16. Review status: criteria provided, single submitter. Criteria: Invitae Variant Classification Sherloc (09022015). Collection method: clinical testing. Allele origin: germline.
Comment: This sequence change replaces methionine with isoleucine at codon 1105 of the SMARCA4 protein (p.Met1105Ile). The methionine residue is highly conserved and there is a small physicochemical difference between methionine and isoleucine. This variant is not present in population databases (ExAC no frequency). This variant has not been reported in the literature in individuals with SMARCA4-related conditions. Algorithms developed to predict the effect of missense changes on protein structure and function are either unavailable or do not agree on the potential impact of this missense change (SIFT: "Deleterious"; PolyPhen-2: "Probably Damaging"; Align-GVGD: "Class C0"). In summary, the available evidence is currently insufficient to determine the role of this variant in disease. Therefore, it has been classified as a Variant of Uncertain Significance.